The following is an entry in ClinVar:

ClinVar aggregate classification (germline): Uncertain significance (1 of 4 stars; one submission).

Allele frequency attached by ClinVar (database versions not stated): ExAC 0.00002; gnomAD 0.00002; 1000 Genomes Project 30x 0.00031; 1000 Genomes Project 0.00040.
gnomAD v4.1: 10 of 1,613,636 alleles (0.00062%); highest among the groups gnomAD compares: South Asian, 0.0088%; no homozygotes.

Submission:

Ambry Genetics
Classification: Uncertain significance. Last evaluated: 2021-09-26. Review status: criteria provided, single submitter. Criteria: Ambry Variant Classification Scheme 2023. Collection method: clinical testing. Allele origin: germline.
Comment: The p.N1764K variant (also known as c.5292T>A), located in coding exon 16 of the POLQ gene, results from a T to A substitution at nucleotide position 5292. The asparagine at codon 1764 is replaced by lysine, an amino acid with similar properties. This amino acid position is conserved. In addition, this alteration is predicted to be tolerated by in silico analysis. Since supporting evidence is limited at this time, the clinical significance of this alteration remains unclear.

NM_199420.4(POLQ):c.5292T>A (p.Asn1764Lys)

Gene: POLQ (DNA polymerase theta; minus strand). Cytogenetic location: 3q13.33.
Variant type: single nucleotide variant.
Coding change: c.5292T>A on transcript NM_199420.4 (MANE Select); coding-DNA position 5292, T replaced by A.
Protein change: p.Asn1764Lys; replaces asparagine 1764 with lysine.
Molecular consequence: missense variant.
Genome position (GRCh38, 1-based): chr3:121,487,639, A>T on the plus strand (T>A on the coding strand, the complement: POLQ is on the minus strand). VCF-style: chr3-121487639-A-T. GRCh37 (hg19) VCF-style: chr3-121206486-A-T.
Other names: short protein forms N1764K.
Identifiers: ClinVar variation 1746643 (VCV001746643.2), dbSNP rs564182145, ClinGen allele CA2562749.
Genomic context (GRCh38, chr3:121,487,639, plus strand): 5'-ATCGTGGTTTTTAATATCTGAAGGTGAGCCAAATAAATAACTTTCACCAGGTTGTAAAAC[A>T]TTATTAGTTTTCCAAGGGTTTACAGGTGTTTCAAGAATCCCTGGAAATGTCAGCTTAGAA-3'
Protein context (NP_955452.3, residues 1754-1774): ETPVNPWKTN[Asn1764Lys]VLQPGESYLF